The following is an entry in ClinVar:

NM_024105.4(ALG12):c.1258G>A (p.Val420Met)

Gene: ALG12 (ALG12 alpha-1,6-mannosyltransferase; minus strand). Cytogenetic location: 22q13.33.
Variant type: single nucleotide variant.
Coding change: c.1258G>A on transcript NM_024105.4 (MANE Select); coding-DNA position 1258, G replaced by A.
Protein change: p.Val420Met; replaces valine 420 with methionine.
Molecular consequence: missense variant.
Genome position (GRCh38, 1-based): chr22:49,904,047, C>T on the plus strand (G>A on the coding strand, the complement: ALG12 is on the minus strand). VCF-style: chr22-49904047-C-T. GRCh37 (hg19) VCF-style: chr22-50297695-C-T.
Other names: short protein forms V420M.
Identifiers: ClinVar variation 1940213 (VCV001940213.5), dbSNP rs1195252946, ClinGen allele CA412071800.

ClinVar aggregate classification (germline): Uncertain significance (1 of 4 stars; one submission).

Conditions:
ALG12-congenital disorder of glycosylation (CDG1G). Also called: CDG Ig; ALG12-CDG; Congenital disorder of glycosylation, type Ig. Identifiers: Orphanet 79324, MedGen C2931001, MONDO:0011783, OMIM 607143.

Allele frequency attached by ClinVar (database versions not stated): gnomAD exomes 0.00001.
gnomAD v4.1: 3 of 1,614,186 alleles (0.00019%); highest among the groups gnomAD compares: Non-Finnish European, 0.00025%; no homozygotes.

Submission:

Labcorp Genetics (formerly Invitae), Labcorp
Classification: Uncertain significance for ALG12-congenital disorder of glycosylation. Last evaluated: 2022-05-17. Review status: criteria provided, single submitter. Criteria: Invitae Variant Classification Sherloc (09022015). Collection method: clinical testing. Allele origin: germline.
Comment: This variant is present in population databases (no rsID available, gnomAD 0.0009%). In summary, the available evidence is currently insufficient to determine the role of this variant in disease. Therefore, it has been classified as a Variant of Uncertain Significance. Algorithms developed to predict the effect of missense changes on protein structure and function (SIFT, PolyPhen-2, Align-GVGD) all suggest that this variant is likely to be tolerated. This variant has not been reported in the literature in individuals affected with ALG12-related conditions. This sequence change replaces valine, which is neutral and non-polar, with methionine, which is neutral and non-polar, at codon 420 of the ALG12 protein (p.Val420Met).